The following is an entry in ClinVar:

ClinVar aggregate classification (germline): Uncertain significance. Review status: criteria provided, multiple submitters, no conflicts (2 of 4 stars). 2 submissions from 2 submitters: Uncertain significance (2). Last evaluated 2022-07-20.

Allele frequency attached by ClinVar (database versions not stated): ExAC 0.00002; TOPMed 0.00002; gnomAD exomes 0.00003 and 0.00004; gnomAD 0.00005.
gnomAD v4.1: 62 of 1,614,046 alleles (0.0038%); highest among the groups gnomAD compares: Non-Finnish European, 0.0045%; no homozygotes.

Submissions (2):

Labcorp Genetics (formerly Invitae), Labcorp
Classification: Uncertain significance. Last evaluated: 2022-07-20. Review status: criteria provided, single submitter. Criteria: Invitae Variant Classification Sherloc (09022015). Collection method: clinical testing. Allele origin: germline.
Comment: This sequence change replaces isoleucine, which is neutral and non-polar, with threonine, which is neutral and polar, at codon 1270 of the CENPJ protein (p.Ile1270Thr). This variant is present in population databases (rs758358045, gnomAD 0.006%). This variant has not been reported in the literature in individuals affected with CENPJ-related conditions. ClinVar contains an entry for this variant (Variation ID: 210668). Algorithms developed to predict the effect of missense changes on protein structure and function (SIFT, PolyPhen-2, Align-GVGD) all suggest that this variant is likely to be tolerated. In summary, the available evidence is currently insufficient to determine the role of this variant in disease. Therefore, it has been classified as a Variant of Uncertain Significance.

Genetic Services Laboratory, University of Chicago
Classification: Uncertain significance. Last evaluated: 2015-05-27. Review status: criteria provided, single submitter. Criteria: ACMG Guidelines, 2015. Collection method: clinical testing. Allele origin: germline.

NM_018451.5(CPAP):c.3809T>C (p.Ile1270Thr)

Genes: CPAP (centrosome assembly and centriole elongation protein; minus strand), RNF17 (ring finger protein 17; plus strand). Cytogenetic location: 13q12.12.
Variant type: single nucleotide variant.
Coding change: c.3809T>C on transcript NM_018451.5 (MANE Select); coding-DNA position 3809, T replaced by C.
Protein change: p.Ile1270Thr; replaces isoleucine 1270 with threonine.
Molecular consequence: missense variant. On other transcripts: non-coding transcript variant (2).
Genome position (GRCh38, 1-based): chr13:24,883,978, A>G on the plus strand (T>C on the coding strand, the complement: CPAP is on the minus strand). VCF-style: chr13-24883978-A-G. GRCh37 (hg19) VCF-style: chr13-25458116-A-G.
Other names: short protein forms I1270T.
Identifiers: ClinVar variation 210668 (VCV000210668.8), dbSNP rs758358045, ClinGen allele CA208004.